The following is an entry in ClinVar:

ClinVar aggregate classification (germline): Uncertain significance (1 of 4 stars; one submission).

Conditions:
Charcot-Marie-Tooth Neuropathy X. Identifiers: MedGen CN118851.

Allele frequency attached by ClinVar (database versions not stated): gnomAD exomes below 0.00001.
gnomAD v4.1: 1 of 1,211,383 alleles (0.000083%); highest among the groups gnomAD compares: Non-Finnish European, 0.00011%; no homozygotes.

Submission:

Labcorp Genetics (formerly Invitae), Labcorp
Classification: Uncertain significance for Charcot-Marie-Tooth Neuropathy X. Last evaluated: 2023-03-13. Review status: criteria provided, single submitter. Criteria: Invitae Variant Classification Sherloc (09022015). Collection method: clinical testing. Allele origin: germline.
Comment: This variant is not present in population databases (gnomAD no frequency). In summary, the available evidence is currently insufficient to determine the role of this variant in disease. Therefore, it has been classified as a Variant of Uncertain Significance. This variant disrupts the p.Ala39 amino acid residue in GJB1. Other variant(s) that disrupt this residue have been determined to be pathogenic (PMID: 9888385, 10400511, 10521546, 12111842, 12457340). This suggests that this residue is clinically significant, and that variants that disrupt this residue are likely to be disease-causing. Advanced modeling of protein sequence and biophysical properties (such as structural, functional, and spatial information, amino acid conservation, physicochemical variation, residue mobility, and thermodynamic stability) performed at Invitae indicates that this missense variant is not expected to disrupt GJB1 protein function. This missense change has been observed in individual(s) with Charcot-Marie-Tooth disease (external communication). This sequence change replaces alanine, which is neutral and non-polar, with threonine, which is neutral and polar, at codon 39 of the GJB1 protein (p.Ala39Thr).

Literature cited by the submitters: PubMed 9888385; PubMed 10400511; PubMed 10521546; PubMed 12111842; PubMed 12457340.

NM_000166.6(GJB1):c.115G>A (p.Ala39Thr)

Gene: GJB1 (gap junction protein beta 1; plus strand). Cytogenetic location: Xq13.1.
Variant type: single nucleotide variant.
Coding change: c.115G>A on transcript NM_000166.6 (MANE Select); coding-DNA position 115, G replaced by A.
Protein change: p.Ala39Thr; replaces alanine 39 with threonine.
Molecular consequence: missense variant.
Genome position (GRCh38, 1-based): chrX:71,223,822, G>A. VCF-style: chrX-71223822-G-A. GRCh37 (hg19) VCF-style: chrX-70443672-G-A.
Other names: c.115G>A, p.Ala39Thr (NM_001097642.3); short protein forms A39T.
Identifiers: ClinVar variation 2845358 (VCV002845358.3), dbSNP rs1602348769, ClinGen allele CA413500977.
Genomic context (GRCh38, chrX:71,223,822, plus strand): 5'-GCCATTGGCCGAGTATGGCTCTCGGTCATCTTCATCTTCAGAATCATGGTGCTGGTGGTG[G>A]CTGCAGAGAGTGTGTGGGGTGATGAGAAATCTTCCTTCATCTGCAACACACTCCAGCCTG-3'
Protein context (NP_000157.1, residues 29-49): FIFRIMVLVV[Ala39Thr]AESVWGDEKS